The following is an entry in ClinVar:

NM_000179.3(MSH6):c.1869C>T (p.Pro623=)

Gene: MSH6 (mutS homolog 6; plus strand). Cytogenetic location: 2p16.3.
Variant type: single nucleotide variant.
Coding change: c.1869C>T on transcript NM_000179.3 (MANE Select); coding-DNA position 1869, C replaced by T.
Protein change: p.Pro623=; no amino-acid change (proline 623 retained).
Molecular consequence: synonymous variant.
Genome position (GRCh38, 1-based): chr2:47,799,852, C>T. VCF-style: chr2-47799852-C-T. GRCh37 (hg19) VCF-style: chr2-48026991-C-T.
Other names: p.P623P:CCC>CCT; c.1479C>T, p.Pro493= (NM_001281492.2); c.963C>T, p.Pro321= (NM_001281493.2, NM_001281494.2).
Identifiers: ClinVar variation 182663 (VCV000182663.37), dbSNP rs141242295, ClinGen allele CA009362.

ClinVar aggregate classification (germline): Benign/Likely benign. Review status: criteria provided, multiple submitters, no conflicts (2 of 4 stars). 14 submissions from 14 submitters: Benign (7); Likely benign (5). 2 of the submissions do not count toward it. Last evaluated 2026-02-02.

Conditions:
Hereditary nonpolyposis colorectal neoplasms. Identifiers: MedGen C0009405, MeSH D003123.
Hereditary cancer-predisposing syndrome. Also called: Tumor predisposition; Hereditary Cancer Syndrome; Hereditary neoplastic syndrome; Neoplastic Syndromes, Hereditary. Identifiers: Orphanet 140162, MedGen C0027672, MeSH D009386, MONDO:0015356.
Lynch syndrome 5 (LYNCH5). Also called: Hereditary non-polyposis colorectal cancer, type 5; Colorectal cancer, hereditary nonpolyposis, type 5. Identifiers: Orphanet 144, MedGen C1833477, MONDO:0013710, OMIM 614350. Disease mechanism: loss of function.
Malignant tumor of breast. Also called: Malignant breast neoplasm; Cancer breast. Identifiers: MedGen C0006142, MONDO:0007254. Disease mechanism: loss of function.

Allele frequency attached by ClinVar (database versions not stated): gnomAD exomes 0.00008 and 0.00024; ExAC 0.00031; gnomAD 0.00058 and 0.00062; TOPMed 0.00061; ESP Exome Variant Server 0.00085; 1000 Genomes Project 30x 0.00156; 1000 Genomes Project 0.00200.
gnomAD v4.1: 241 of 1,614,156 alleles (0.015%); highest among the groups gnomAD compares: African/African-American, 0.22%; 1 homozygote.

Submissions (14):

Labcorp Genetics (formerly Invitae), Labcorp
Classification: Benign for Hereditary nonpolyposis colorectal neoplasms. Last evaluated: 2026-02-02. Review status: criteria provided, single submitter. Criteria: Invitae Variant Classification Sherloc (09022015). Collection method: clinical testing. Allele origin: germline.

Center for Genomic Medicine, Rigshospitalet, Copenhagen University Hospital
Classification: Likely benign. Last evaluated: 2025-03-04. Review status: criteria provided, single submitter. Criteria: ACMG Guidelines, 2015. Collection method: clinical testing. Allele origin: germline.

KCCC/NGS Laboratory, Kuwait Cancer Control Center
Classification: Benign for Lynch syndrome 5. Last evaluated: 2025-02-01. Review status: criteria provided, single submitter. Criteria: ACMG Guidelines, 2015. Collection method: clinical testing. Allele origin: germline. Affected: no.

Institute for Biomarker Research, Medical Diagnostic Laboratories, L.L.C.
Classification: Benign for Hereditary cancer-predisposing syndrome. Last evaluated: 2024-09-16. Review status: criteria provided, single submitter. Criteria: ACMG Guidelines, 2015. Collection method: clinical testing. Allele origin: germline.
Comment: The synonymous variant NM_000179.3(MSH6):c.1869C>T (p.Pro623=) has been reported to ClinVar as Benign/Likely benign with a status of (2 stars) criteria provided, multiple submitters, no conflicts (Variation ID 182663 as of 2024-08-01). The variant is observed in one or more well-documented healthy adults. The p.Pro623= variant is observed in 10/5,008 (0.1997%) alleles from individuals of 1kG All background in 1kG, which is greater than expected for the disorder. The p.Pro623= variant is not predicted to disrupt an existing splice site. The p.Pro623= variant results in a substitution of a base that is not predicted conserved by GERP++ and PhyloP. For these reasons, this variant has been classified as Benign.

Blueprint Genetics
Classification: Likely benign. Last evaluated: 2024-04-08. Review status: criteria provided, single submitter. Criteria: ACMG Guidelines, 2015. Collection method: clinical testing. Allele origin: germline.

Myriad Genetics, Inc.
Classification: Benign for Lynch syndrome 5. Last evaluated: 2023-03-28. Review status: criteria provided, single submitter. Criteria: Myriad Autosomal Dominant, Autosomal Recessive and X-Linked Classification Criteria (2023). Collection method: clinical testing. Allele origin: unknown.
Comment: This variant is considered benign. This variant is a silent/synonymous amino acid change and it is not expected to impact splicing.

Quest Diagnostics Nichols Institute San Juan Capistrano
Classification: Benign. Last evaluated: 2021-11-09. Review status: criteria provided, single submitter. Criteria: Quest Diagnostics criteria. Collection method: clinical testing. Allele origin: unknown.

Sema4
Classification: Benign for Hereditary cancer-predisposing syndrome. Last evaluated: 2021-04-14. Review status: criteria provided, single submitter. Criteria: Sema4 Curation Guidelines. Collection method: curation. Allele origin: germline.

Genetic Services Laboratory, University of Chicago
Classification: Likely benign. Last evaluated: 2020-02-27. Review status: criteria provided, single submitter. Criteria: ACMG Guidelines, 2015. Collection method: clinical testing. Allele origin: germline. Affected: no.

Color Diagnostics, LLC DBA Color Health
Classification: Likely benign for Hereditary cancer-predisposing syndrome. Last evaluated: 2015-06-08. Review status: criteria provided, single submitter. Criteria: ACMG Guidelines, 2015. Collection method: clinical testing. Allele origin: germline.

Ambry Genetics
Classification: Likely benign for Hereditary cancer-predisposing syndrome. Last evaluated: 2014-11-17. Review status: criteria provided, single submitter. Criteria: Ambry Variant Classification Scheme 2023. Collection method: clinical testing. Allele origin: germline.

GeneDx
Classification: Benign. Last evaluated: 2014-08-04. Review status: criteria provided, single submitter. Criteria: GeneDx Variant Classification (06012015). Collection method: clinical testing. Allele origin: germline. Affected: yes.
Comment: This variant is considered likely benign or benign based on one or more of the following criteria: it is a conservative change, it occurs at a poorly conserved position in the protein, it is predicted to be benign by multiple in silico algorithms, and/or has population frequency not consistent with disease.

Counsyl
Classification: Likely benign for Lynch syndrome 5. Last evaluated: 2016-03-29. Review status: no assertion criteria provided. Collection method: clinical testing. Allele origin: unknown. Not counted in ClinVar's aggregate classification.

Department of Pathology and Laboratory Medicine, Sinai Health System
Classification: Benign for Malignant tumor of breast. Review status: no assertion criteria provided. Collection method: clinical testing. Allele origin: unknown. Affected: yes. Study: The Canadian Open Genetics Repository (COGR). Not counted in ClinVar's aggregate classification.
Comment: The MSH6 p.Pro623= variant was not identified in the literature nor was it identified in the GeneInsight-COGR, Cosmic, MutDB, Insight Colon Cancer Gene Variant Database, Zhejiang Colon Cancer Database, Mismatch Repair Genes Variant Database, Insight Hereditary Tumors Database databases. The variant was identified in dbSNP (ID: rs141242295) â€šÃ„ÃºWith Likely benign alleleâ€šÃ„Ã¹, ClinVar (classified benign by GeneDx, Invitae and likely benign by Ambry Genetics, Counsyl and Quest Diagnostics Nichols Institute San Juan Capistrano), Clinvitae (4x), UMD-LSDB (2x as UV), and in control databases in 77 (1 homozygous) of 276602 chromosomes at a frequency of 0.0003 increasing the likelihood this could be a low frequency benign variant (Genome Aggregation Database Feb 27, 2017). Breakdown of the observations by population include African in 53 (1 homozygous) of 23906 chromosomes (freq: 0.002), Other in 1 of 6460 chromosomes (freq: 0.00002), Latino in 9 of 34400 chromosomes (freq: 0.0003), East Asian in 7 of 18854 chromosomes (freq: 0.0004), and South Asian in 7 of 30774 chromosomes (freq: 0.0002) while not observed in the European Non-Finnish, Ashkenazi Jewish and European Finnish populations. The p.Pro623= variant is not expected to have clinical significance because it does not result in a change of amino acid and is not located in a known consensus splice site. In addition, in silico or computational prediction software programs (SpliceSiteFinder, MaxEntScan, NNSPLICE, GeneSplicer, HumanSpliceFinder) do not predict a difference in splicing. In summary, based on the above information this variant meets our laboratory's criteria to be classified as benign.